The following is an entry in ClinVar:

ClinVar aggregate classification (germline): Pathogenic (1 of 4 stars; one submission).

Conditions:
Developmental and epileptic encephalopathy, 1 (DEE1). Also called: INFANTILE SPASM SYNDROME, X-LINKED 1; X-linked infantile spasms; West's syndrome; Tonic spasms with clustering, arrest of psychomotor development and hypsarrhythmia on EEG; X-Linked Infantile Spasm Syndrome; OHTAHARA SYNDROME, X-LINKED. Identifiers: MedGen C3463992, MONDO:0010632, OMIM 308350. Disease mechanism: loss of function.
Autosomal recessive spinocerebellar ataxia 12. Also called: SPINOCEREBELLAR ATAXIA WITH MENTAL RETARDATION AND EPILEPSY. Identifiers: Orphanet 284282, MedGen C3280452, MONDO:0013687, OMIM 614322.

Submission:

Labcorp Genetics (formerly Invitae), Labcorp
Classification: Pathogenic for Developmental and epileptic encephalopathy, 1; Autosomal recessive spinocerebellar ataxia 12. Last evaluated: 2022-07-26. Review status: criteria provided, single submitter. Criteria: Invitae Variant Classification Sherloc (09022015). Collection method: clinical testing. Allele origin: germline.
Comment: This variant has not been reported in the literature in individuals affected with WWOX-related conditions. This variant is a gross deletion of the genomic region encompassing exon(s) 2 of the WWOX gene. This deletion is out-of-frame, and is expected to create a premature termination codon and result in an absent or disrupted protein product. Loss-of-function variants in WWOX are known to be pathogenic (PMID: 24456803, 25411445). For these reasons, this variant has been classified as Pathogenic.

Literature cited by the submitters: PubMed 24456803; PubMed 25411445.

NC_000016.9:g.(?_78142310)_(78142394_?)del

Gene: WWOX (WW domain containing oxidoreductase; plus strand). Cytogenetic location: 16q23.1.
Variant type: Deletion.
Identifiers: ClinVar variation 1456547 (VCV001456547.9).